The following is an entry in ClinVar:

ClinVar aggregate classification (germline): Uncertain significance. Review status: criteria provided, multiple submitters, no conflicts (2 of 4 stars). 2 submissions from 2 submitters: Uncertain significance (2). Last evaluated 2024-12-16.

Conditions:
Inborn genetic diseases. Identifiers: MedGen C0950123, MeSH D030342.

Allele frequency attached by ClinVar (database versions not stated): ExAC 0.00001; gnomAD 0.00001; gnomAD exomes 0.00001; TOPMed 0.00001.
gnomAD v4.1: 8 of 1,612,608 alleles (0.0005%); highest among the groups gnomAD compares: Non-Finnish European, 0.00068%; no homozygotes.

Submissions (2):

Labcorp Genetics (formerly Invitae), Labcorp
Classification: Uncertain significance. Last evaluated: 2024-12-16. Review status: criteria provided, single submitter. Criteria: Invitae Variant Classification Sherloc (09022015). Collection method: clinical testing. Allele origin: germline.
Comment: This sequence change replaces valine, which is neutral and non-polar, with leucine, which is neutral and non-polar, at codon 6000 of the ADGRV1 protein (p.Val6000Leu). This variant is present in population databases (rs767259676, gnomAD 0.002%). This variant has not been reported in the literature in individuals affected with ADGRV1-related conditions. ClinVar contains an entry for this variant (Variation ID: 1052374). Invitae Evidence Modeling of protein sequence and biophysical properties (such as structural, functional, and spatial information, amino acid conservation, physicochemical variation, residue mobility, and thermodynamic stability) indicates that this missense variant is not expected to disrupt ADGRV1 protein function with a negative predictive value of 95%. In summary, the available evidence is currently insufficient to determine the role of this variant in disease. Therefore, it has been classified as a Variant of Uncertain Significance.

Ambry Genetics
Classification: Uncertain significance for Inborn genetic diseases. Last evaluated: 2023-04-26. Review status: criteria provided, single submitter. Criteria: Ambry Variant Classification Scheme 2023. Collection method: clinical testing. Allele origin: germline.

NM_032119.4(ADGRV1):c.17998G>C (p.Val6000Leu)

Gene: ADGRV1 (adhesion G protein-coupled receptor V1; plus strand). Cytogenetic location: 5q14.3.
Variant type: single nucleotide variant.
Coding change: c.17998G>C on transcript NM_032119.4 (MANE Select); coding-DNA position 17998, G replaced by C.
Protein change: p.Val6000Leu; replaces valine 6000 with leucine.
Molecular consequence: missense variant. On other transcripts: non-coding transcript variant (1).
Genome position (GRCh38, 1-based): chr5:90,985,368, G>C. VCF-style: chr5-90985368-G-C. GRCh37 (hg19) VCF-style: chr5-90281185-G-C.
Other names: c.17998G>C (NM_032119.3); short protein forms V6000L.
Identifiers: ClinVar variation 1052374 (VCV001052374.9), dbSNP rs767259676, ClinGen allele CA3342535.